The following is an entry in ClinVar:

ClinVar aggregate classification (germline): Likely benign (0 of 4 stars; one submission).

Conditions:
TJP1-related disorder. Also called: TJP1-related condition.

Allele frequency attached by ClinVar (database versions not stated): gnomAD exomes 0.00013; ExAC 0.00046; gnomAD 0.00165; TOPMed 0.00205; 1000 Genomes Project 30x 0.00219; ESP Exome Variant Server 0.00230; 1000 Genomes Project 0.00240.
gnomAD v4.1: 441 of 1,614,098 alleles (0.027%); highest among the groups gnomAD compares: African/African-American, 0.53%; no homozygotes.

Submission:

PreventionGenetics, part of Exact Sciences
Classification: Likely benign for TJP1-related condition. Last evaluated: 2019-08-26. Review status: no assertion criteria provided. Collection method: clinical testing. Allele origin: germline.
Comment: This variant is classified as likely benign based on ACMG/AMP sequence variant interpretation guidelines (Richards et al. 2015 PMID: 25741868, with internal and published modifications).

NM_001330239.4(TJP1):c.3333T>G (p.Ser1111=)

Genes: TJP1 (tight junction protein 1; minus strand), LOC126862085 (P300/CBP strongly-dependent group 1 enhancer GRCh37_chr15:30010173-30011372; plus strand). Cytogenetic location: 15q13.1.
Variant type: single nucleotide variant.
Coding change: c.3333T>G on transcript NM_001330239.4 (MANE Select); coding-DNA position 3333, T replaced by G.
Protein change: p.Ser1111=; no amino-acid change (serine 1111 retained).
Molecular consequence: synonymous variant.
Genome position (GRCh38, 1-based): chr15:29,718,809, A>C on the plus strand (T>G on the coding strand, the complement: TJP1 is on the minus strand). VCF-style: chr15-29718809-A-C. GRCh37 (hg19) VCF-style: chr15-30011013-A-C.
Other names: c.3612T>G, p.Ser1204= (NM_001301025.3, NM_001355012.2); c.3105T>G, p.Ser1035= (NM_001301026.2); c.3345T>G, p.Ser1115= (NM_001355013.1); c.3333T>G, p.Ser1111= (NM_001355014.2, NM_003257.5); c.3093T>G, p.Ser1031= (NM_001355015.2, NM_175610.4).
Identifiers: ClinVar variation 3052496 (VCV003052496.2), dbSNP rs35120167, ClinGen allele CA7446801.